The following is an entry in ClinVar:

ClinVar aggregate classification (germline): Likely benign. Review status: criteria provided, single submitter (1 of 4 stars). 2 submissions from 2 submitters: Likely benign (1). 1 of the submissions does not count toward it. Last evaluated 2022-07-23.

Conditions:
NPHP4-related disorder. Also called: NPHP4-related condition; NPHP4-related disorders. Identifiers: MedGen CN239384.
Nephronophthisis. Also called: Juvenile Nephronophthisis. Identifiers: Orphanet 655, MedGen C0687120, MONDO:0019005, HP:0000090.

Submissions (2):

Labcorp Genetics (formerly Invitae), Labcorp
Classification: Likely benign for Nephronophthisis. Last evaluated: 2022-07-23. Review status: criteria provided, single submitter. Criteria: Invitae Variant Classification Sherloc (09022015). Collection method: clinical testing. Allele origin: germline.

PreventionGenetics, part of Exact Sciences
Classification: Likely benign for NPHP4-related condition. Last evaluated: 2024-08-01. Review status: no assertion criteria provided. Collection method: clinical testing. Allele origin: germline. Not counted in ClinVar's aggregate classification.
Comment: This variant is classified as likely benign based on ACMG/AMP sequence variant interpretation guidelines (Richards et al. 2015 PMID: 25741868, with internal and published modifications).

NM_015102.5(NPHP4):c.1068C>T (p.Val356=)

Gene: NPHP4 (nephrocystin 4; minus strand). Cytogenetic location: 1p36.31.
Variant type: single nucleotide variant.
Coding change: c.1068C>T on transcript NM_015102.5 (MANE Select); coding-DNA position 1068, C replaced by T.
Protein change: p.Val356=; no amino-acid change (valine 356 retained).
Molecular consequence: synonymous variant. On other transcripts: 5 prime UTR variant (2), non-coding transcript variant (1).
Genome position (GRCh38, 1-based): chr1:5,947,155, G>A on the plus strand (C>T on the coding strand, the complement: NPHP4 is on the minus strand). VCF-style: chr1-5947155-G-A. GRCh37 (hg19) VCF-style: chr1-6007215-G-A.
Other names: c.-299C>T (NM_001291593.2, NM_001291594.2).
Identifiers: ClinVar variation 720283 (VCV000720283.9), dbSNP rs1570580019, ClinGen allele CA415787157.